The following is an entry in ClinVar:

NM_001035.3(RYR2):c.2131G>A (p.Glu711Lys)

Gene: RYR2 (ryanodine receptor 2; plus strand). Cytogenetic location: 1q43.
Variant type: single nucleotide variant.
Coding change: c.2131G>A on transcript NM_001035.3 (MANE Select); coding-DNA position 2131, G replaced by A.
Protein change: p.Glu711Lys; replaces glutamic acid 711 with lysine.
Molecular consequence: missense variant.
Genome position (GRCh38, 1-based): chr1:237,496,680, G>A. VCF-style: chr1-237496680-G-A. GRCh37 (hg19) VCF-style: chr1-237659980-G-A.
Other names: c.2131G>A, p.Glu711Lys (LRG_402t1); short protein forms E711K.
Identifiers: ClinVar variation 618353 (VCV000618353.18), dbSNP rs1470689668, ClinGen allele CA345392055.

ClinVar aggregate classification (germline): Uncertain significance. Review status: criteria provided, multiple submitters, no conflicts (2 of 4 stars). 5 submissions from 5 submitters: Uncertain significance (5). Last evaluated 2025-07-01.

Conditions:
Catecholaminergic polymorphic ventricular tachycardia 1. Also called: RYR2-Related Catecholaminergic Polymorphic Ventricular Tachycardia; VENTRICULAR TACHYCARDIA, CATECHOLAMINERGIC POLYMORPHIC, 1, WITH OR WITHOUT ATRIAL DYSFUNCTION AND/OR DILATED CARDIOMYOPATHY; VENTRICULAR TACHYCARDIA, STRESS-INDUCED POLYMORPHIC 1. Identifiers: Orphanet 3286, MedGen C1631597, MONDO:0011484, OMIM 604772.
Cardiovascular phenotype. Identifiers: MedGen CN230736.
Cardiomyopathy (CMYO). Also called: Cardiomyopathies. Identifiers: Orphanet 167848, MedGen C0878544, MONDO:0004994, HP:0001638. Inheritance: Various modes of inheritance.

Allele frequency attached by ClinVar (database versions not stated): TOPMed below 0.00001; gnomAD 0.00001; gnomAD exomes 0.00003; 1000 Genomes Project 30x 0.00016.
gnomAD v4.1: 40 of 1,613,940 alleles (0.0025%); highest among the groups gnomAD compares: Non-Finnish European, 0.0034%; no homozygotes.

Submissions (5):

Color Diagnostics, LLC DBA Color Health
Classification: Uncertain significance for Cardiomyopathy. Last evaluated: 2025-07-01. Review status: criteria provided, single submitter. Criteria: ACMG Guidelines, 2015. Collection method: clinical testing. Allele origin: germline.
Comment: This missense variant replaces glutamic acid with lysine at codon 711 of the RYR2 protein. Computational prediction suggests that this variant may not impact protein structure and function. To our knowledge, functional studies have not been reported for this variant. This variant has been reported in an individual affected with long QT syndrome identified from the Cardiac Arrest Survivors With Preserved Ejection Fraction Registry (PMID: 28600387). This variant has not been identified in the general population by the Genome Aggregation Database (gnomAD). The available evidence is insufficient to determine the role of this variant in disease conclusively. Therefore, this variant is classified as a Variant of Uncertain Significance.

Molecular Diagnostic Laboratory for Inherited Cardiovascular Disease, Montreal Heart Institute
Classification: Uncertain significance for Cardiovascular phenotype. Last evaluated: 2025-04-09. Review status: criteria provided, single submitter. Criteria: ACMG Guidelines, 2015. Collection method: clinical testing. Allele origin: germline. Affected: yes.

Labcorp Genetics (formerly Invitae), Labcorp
Classification: Uncertain significance for Catecholaminergic polymorphic ventricular tachycardia 1. Last evaluated: 2024-07-31. Review status: criteria provided, single submitter. Criteria: Invitae Variant Classification Sherloc (09022015). Collection method: clinical testing. Allele origin: germline.
Comment: This sequence change replaces glutamic acid, which is acidic and polar, with lysine, which is basic and polar, at codon 711 of the RYR2 protein (p.Glu711Lys). This variant is not present in population databases (gnomAD no frequency). This variant has not been reported in the literature in individuals affected with RYR2-related conditions. ClinVar contains an entry for this variant (Variation ID: 618353). Advanced modeling of protein sequence and biophysical properties (such as structural, functional, and spatial information, amino acid conservation, physicochemical variation, residue mobility, and thermodynamic stability) performed at Invitae indicates that this missense variant is not expected to disrupt RYR2 protein function with a negative predictive value of 95%. In summary, the available evidence is currently insufficient to determine the role of this variant in disease. Therefore, it has been classified as a Variant of Uncertain Significance.

Ambry Genetics
Classification: Uncertain significance for Cardiovascular phenotype. Last evaluated: 2023-10-03. Review status: criteria provided, single submitter. Criteria: Ambry Variant Classification Scheme 2023. Collection method: clinical testing. Allele origin: germline.
Comment: The p.E711K variant (also known as c.2131G>A), located in coding exon 20 of the RYR2 gene, results from a G to A substitution at nucleotide position 2131. The glutamic acid at codon 711 is replaced by lysine, an amino acid with similar properties. This variant has been detected in a adolescent sudden cardiac arrest survivor indicated as having long QT syndrome; however, details were limited (Mellor G et al. Circ Cardiovasc Genet, 2017 Jun;10). This amino acid position is well conserved in available vertebrate species. In addition, the in silico prediction for this alteration is inconclusive. Since supporting evidence is limited at this time, the clinical significance of this alteration remains unclear.

ARUP Laboratories, Molecular Genetics and Genomics, ARUP Laboratories
Classification: Uncertain significance. Last evaluated: 2018-01-03. Review status: criteria provided, single submitter. Criteria: ARUP Molecular Germline Variant Investigation Process. Collection method: clinical testing. Allele origin: germline.
Comment: The RYR2 c.2131G>A; p.Glu711Lys variant has been reported in a single individual with long QT syndrome, but inheritance data and clinical information were not provided (Mellor 2017). It is not reported in gene specific variation databases nor has it been previously identified by our laboratory. This variant is absent from the general population databases (1000 Genomes Project, Exome Variant Server, Genome Aggregation Database), indicating it is not a common polymorphism. The glutamic acid at position 711 is highly conserved and computational analyses of the effects of the p.Glu711Lys variant on protein structure and function differ in their predictions (SIFT: tolerated, MutationTaster: disease causing, AlignGVGD: Class C0). Based on the available information, the clinical significance of the p.Glu711Lys variant cannot be determined with certainty.

Literature cited by the submitters: PubMed 28600387 (cited by Color Diagnostics, LLC DBA Color Health and Ambry Genetics).